The following is an entry in ClinVar:

NC_000002.11:g.(?_55861197)_55874535del

Gene: PNPT1 (polyribonucleotide nucleotidyltransferase 1; minus strand). Cytogenetic location: 2p16.1.
Variant type: Deletion.
Identifiers: ClinVar variation 2581355 (VCV002581355.1).

ClinVar aggregate classification (germline): Pathogenic (1 of 4 stars; one submission).

Conditions:
PNPT1-related disorder. Also called: PNPT1-related condition; PNPT1-related disorders.

Submission:

Women's Health and Genetics/Laboratory Corporation of America, LabCorp
Classification: Pathogenic for PNPT1-Related Disorders. Last evaluated: 2023-08-24. Review status: criteria provided, single submitter. Criteria: LabCorp Variant Classification Summary - May 2015. Collection method: clinical testing. Allele origin: germline.
Comment: Variant summary: The variant identified by MLPA or other technology involves the partial deletion of exon 19 through 28 (i.e. the last exon) in the PNPT1 gene. The exact breakpoint at the 3' end of this variant is unknown, and therefore this deletion might extend downstream of the assayed region of the gene. A presumed nomenclature of c.1549_(*2175_?)del has been designated for the purposes of this classification. Although exact breakpoints of this deletion are not known, it is not expected to cause nonsense mediated decay (NMD), but is predicted to cause a large truncation of the encoded protein, removing amino acids ~516-783, abolishing the K homology (KH) domain (amino acids 604-669; IPR004087) and the S1 RNA-binding domain (amino acids 677-750; IPR022967). Variants in the S1-domain (including premature truncations) have been reported in heterozygous individuals affected with Spinocerebellar Ataxia Type 25 (PMID 35411967). In addition, missense changes are also reported in the deleted region in affected individuals with biallelic variants (HGMD), confirming the functional importance of the deleted region. The variant was absent in 21694 control chromosomes (gnomAD database, structural variants dataset). To our knowledge, no occurrence of c.1549_(*2175_?)del in individuals affected with PNPT1-Related Disorders and no experimental evidence demonstrating its impact on protein function have been reported. No submitters have cited clinical-significance assessments for this variant to ClinVar after 2014. Based on the evidence outlined above, the variant was classified as pathogenic.